The following is an entry in ClinVar:

NM_000132.4(F8):c.5587-93C>T

Gene: F8 (coagulation factor VIII; minus strand). Cytogenetic location: Xq28.
Variant type: single nucleotide variant.
Coding change: c.5587-93C>T on transcript NM_000132.4 (MANE Select); 93 bases into the intron before coding-DNA position 5587, C replaced by T.
Molecular consequence: intron variant.
Genome position (GRCh38, 1-based): chrX:154,904,617, G>A on the plus strand (C>T on the coding strand, the complement: F8 is on the minus strand). VCF-style: chrX-154904617-G-A. GRCh37 (hg19) VCF-style: chrX-154132892-G-A.
Identifiers: ClinVar variation 929936 (VCV000929936.43), dbSNP rs1264918703, ClinGen allele CA873341262.

ClinVar aggregate classification (germline): Pathogenic/Likely pathogenic. Review status: criteria provided, multiple submitters, no conflicts (2 of 4 stars). 6 submissions from 6 submitters: Pathogenic (1); Likely pathogenic (5). Last evaluated 2025-03-04.

Conditions:
Hereditary factor VIII deficiency disease (HEMA). Also called: HEMOPHILIA, CLASSIC; Hemophilia A; AUTOSOMAL HEMOPHILIA A; Hemophilia A, congenital; HEM A; Factor 8 deficiency, congenital. Identifiers: Orphanet 98878, MedGen C0019069, MONDO:0010602, OMIM 306700.

Allele frequency attached by ClinVar (database versions not stated): TOPMed 0.00006.

Submissions (6):

Center for Genomic Medicine, Rigshospitalet, Copenhagen University Hospital
Classification: Likely pathogenic. Last evaluated: 2025-03-04. Review status: criteria provided, single submitter. Criteria: ACMG Guidelines, 2015. Collection method: clinical testing. Allele origin: germline.

Women's Health and Genetics/Laboratory Corporation of America, LabCorp
Classification: Likely pathogenic for Hereditary factor VIII deficiency disease. Last evaluated: 2025-02-21. Review status: criteria provided, single submitter. Criteria: LabCorp Variant Classification Summary - May 2015. Collection method: clinical testing. Allele origin: germline.
Comment: Variant summary: F8 c.5587-93C>T is located at a position not widely known to affect splicing. Consensus agreement among computation tools predict no significant impact on normal splicing. However, at least one publication reports experimental evidence that this variant affects mRNA splicing by introducing a 56 bp fragment of intron 16, that may lead to a frameshift resulting in a premature stop codon via mRNA analysis in HEK293 cells (Castaman_2011). The variant was absent in 862385 control chromosomes. c.5587-93C>T has been reported in the literature in at-least two individuals affected with mild Factor VIII Deficiency (Hemophilia A) (example, Castaman_2011, Bach_2015). These data indicate that the variant may be associated with disease. The following publications have been ascertained in the context of this evaluation (PMID: 25948085, 21689372). ClinVar contains an entry for this variant (Variation ID: 929936). Based on the evidence outlined above, the variant was classified as likely pathogenic.

GeneDx
Classification: Pathogenic. Last evaluated: 2025-02-18. Review status: criteria provided, single submitter. Criteria: GeneDx Variant Classification Process June 2021. Collection method: clinical testing. Allele origin: germline. Affected: yes.
Comment: Non-canonical splice site variant demonstrated to result in loss-of-function (PMID: 26246214, 21689372); No data available from control populations to assess the frequency of this variant; In silico analysis suggests this variant may impact gene splicing. In the absence of RNA/functional studies, the actual effect of this sequence change is unknown.; This variant is associated with the following publications: (PMID: 23809411, 25948085, 29652675, 27824209, 29357978, 21689372, 26246214)

ARUP Laboratories, Molecular Genetics and Genomics, ARUP Laboratories
Classification: Likely pathogenic. Last evaluated: 2023-04-07. Review status: criteria provided, single submitter. Criteria: ARUP Molecular Germline Variant Investigation Process 2024. Collection method: clinical testing. Allele origin: germline.
Comment: The F8 c.5587-93C>T variant (rs1264918703) is reported in the literature in individuals affected with mild hemophilia A (Bach 2015, Castaman 2011). This variant is also reported in ClinVar (Variation ID: 929936), but is absent from the Genome Aggregation Database, indicating it is not a common polymorphism. This is an intronic variant in a weakly conserved nucleotide, but computational analyses (Alamut Visual Plus v.1.5.1) predict that this variant may impact splicing by creating a novel cryptic donor splice site. Additionally, in vitro functional assays show inclusion of 56bp of intron 16 leading to a frameshift, so it is predicted to result in a truncated protein or mRNA subject to nonsense-mediated decay (Castaman 2011). Based on available information, this variant is considered to be likely pathogenic. References: Bach JE et al. Identification of deep intronic variants in 15 haemophilia A patients by next generation sequencing of the whole factor VIII gene. Thromb Haemost. 2015 Oct;114(4):757-67. PMID: 25948085. Castaman G et al. Deep intronic variations may cause mild hemophilia A. J Thromb Haemost. 2011 Aug;9(8):1541-8. PMID: 21689372.

CeGaT Center for Human Genetics Tuebingen
Classification: Likely pathogenic. Last evaluated: 2022-04-01. Review status: criteria provided, single submitter. Criteria: CeGaT Center For Human Genetics Tuebingen Variant Classification Criteria Version 2. Collection method: clinical testing. Allele origin: germline. Affected: yes. Observed: 2 variant alleles.
Comment: F8: PS3, PM2, PP3

Laboratory for Molecular Medicine, Mass General Brigham Personalized Medicine
Classification: Likely pathogenic for Hereditary factor VIII deficiency disease. Last evaluated: 2019-08-09. Review status: criteria provided, single submitter. Criteria: LMM Criteria. Collection method: clinical testing. Allele origin: germline. Inheritance: X-linked inheritance. Observed: 1 variant allele.
Comment: The c.5587-93C>T variant in F8 has been previously reported in 2 individuals with mild hemophilia A (Castaman 2011, Back 2015), but was absent from large population studies. This variant occurs outside of the splice consensus region in intron 16. However, both in silico prediction tools and in vitro functional assays suggest that the variant creates a novel splice donor site, leading to the insertion of 56bp of intronic sequence in the mRNA (Castaman 2011). This insertion, in turn, is predicted to cause a frameshift and the introduction of a premature termination codon within the inserted sequence, leading to a truncated or absent protein. Loss of function of the F8 gene is an established disease mechanism in X-linked hemophilia A. In summary, this variant meets criteria to be classified as likely pathogenic for X-linked hemophilia A, though it may be associated with a mild form of the disease. ACMG/AMP Criteria applied: PM2, PS3_moderate, PP4, PS4_Supporting.

Literature cited by the submitters: PubMed 21689372 (cited by 3 submitters); PubMed 25948085 (cited by 3 submitters).